The following is an entry in ClinVar:

ClinVar aggregate classification (germline): Uncertain significance (1 of 4 stars; one submission).

Allele frequency attached by ClinVar (database versions not stated): gnomAD exomes 0.00001; TOPMed 0.00003.
gnomAD v4.1: 13 of 1,540,222 alleles (0.00084%); highest among the groups gnomAD compares: Admixed American, 0.014%; no homozygotes.

Submission:

Labcorp Genetics (formerly Invitae), Labcorp
Classification: Uncertain significance. Last evaluated: 2025-11-04. Review status: criteria provided, single submitter. Criteria: Invitae Variant Classification Sherloc (09022015). Collection method: clinical testing. Allele origin: germline.
Comment: This sequence change replaces valine, which is neutral and non-polar, with methionine, which is neutral and non-polar, at codon 3449 of the ZNF469 protein (p.Val3449Met). This variant is present in population databases (no rsID available, gnomAD 0.03%). This variant has not been reported in the literature in individuals affected with ZNF469-related conditions. ClinVar contains an entry for this variant (Variation ID: 2065047). An algorithm developed to predict the effect of missense changes on protein structure and function (PolyPhen-2) suggests that this variant is likely to be disruptive. In summary, the available evidence is currently insufficient to determine the role of this variant in disease. Therefore, it has been classified as a Variant of Uncertain Significance.

NM_001367624.2(ZNF469):c.10429G>A (p.Val3477Met)

Gene: ZNF469 (zinc finger protein 469; plus strand). Cytogenetic location: 16q24.2.
Variant type: single nucleotide variant.
Coding change: c.10429G>A on transcript NM_001367624.2 (MANE Select); coding-DNA position 10429, G replaced by A.
Protein change: p.Val3477Met; replaces valine 3477 with methionine.
Molecular consequence: missense variant.
Genome position (GRCh38, 1-based): chr16:88,437,899, G>A. VCF-style: chr16-88437899-G-A. GRCh37 (hg19) VCF-style: chr16-88504307-G-A.
Other names: short protein forms V3477M.
Identifiers: ClinVar variation 2065047 (VCV002065047.2), dbSNP rs1170297423, ClinGen allele CA397126959.